The following is an entry in ClinVar:

ClinVar aggregate classification (germline): Pathogenic. Review status: criteria provided, multiple submitters, no conflicts (2 of 4 stars). 2 submissions from 2 submitters: Pathogenic (2). Last evaluated 2025-07-25.

Conditions:
Familial cancer of breast. Also called: BREAST CANCER, FAMILIAL; hereditary breast carcinoma; Hereditary breast cancer. Identifiers: Orphanet 227535, MedGen C0346153, MONDO:0016419, OMIM 114480. Disease mechanism: loss of function.

Submissions (2):

Institute of Human Genetics, FAU Erlangen, Friedrich-Alexander-Universität Erlangen-Nürnberg
Classification: Pathogenic. Last evaluated: 2025-07-25. Review status: criteria provided, single submitter. Criteria: Hauer et al. (Genet Med. 2018). Collection method: clinical testing. Allele origin: germline. Inheritance: Unknown mechanism. Affected: yes. Observed: 1 variant allele.
Comment: This variant has been identified by standard clinical testing.

Myriad Genetics, Inc.
Classification: Pathogenic for Familial cancer of breast. Last evaluated: 2023-06-27. Review status: criteria provided, single submitter. Criteria: Myriad Autosomal Dominant, Autosomal Recessive and X-Linked Classification Criteria (2023). Collection method: clinical testing. Allele origin: unknown.
Comment: This variant is considered pathogenic. This variant creates a frameshift predicted to result in premature protein truncation.

NM_007194.4(CHEK2):c.993del (p.Met331fs)

Gene: CHEK2 (checkpoint kinase 2; minus strand). Cytogenetic location: 22q12.1.
Variant type: Deletion.
Coding change: c.993del on transcript NM_007194.4 (MANE Select); coding-DNA position 993, one base deleted (G; older notation c.993delG).
Protein change: p.Met331fs; shifts the reading frame from methionine 331.
Molecular consequence: frameshift variant.
Genome position (GRCh38, 1-based): chr22:28,699,853, C deleted on the plus strand (G on the coding strand, the reverse complement: CHEK2 is on the minus strand). VCF-style (leftmost placement, unchanged base first): chr22-28699852-GC-G. GRCh37 (hg19) VCF-style: chr22-29095840-GC-G.
Other names: c.1122delG, p.Met374Ilefs (NM_001005735.3); c.330delG, p.Met110Ilefs (NM_001257387.3); c.792delG, p.Met264Ilefs (NM_001349956.3); c.993delG, p.Met331Ilefs (NM_145862.3); short protein forms M110fs, M264fs, M331fs, M374fs.
Identifiers: ClinVar variation 2584252 (VCV002584252.3), dbSNP rs2517847616, ClinGen allele CA2582342813.
Genomic context (GRCh38, chr22:28,699,852, plus strand): 5'-AACTAAAAGAAAGGCAGCTGTCAAAAGAATTGAGGGCTTCTTTTACCTGCACAGCCAAGA[GC>G]ATCTGGTAAAAATAGAGCTTGCAGGTAGCTTCTTTCAGGCGTTTATTCCCCACCACTTTG-3'